The following is an entry in ClinVar:

ClinVar aggregate classification (germline): Uncertain significance. Review status: criteria provided, multiple submitters, no conflicts (2 of 4 stars). 3 submissions from 3 submitters: Uncertain significance (3). Last evaluated 2025-03-18.

Conditions:
Inborn genetic diseases. Identifiers: MedGen C0950123, MeSH D030342.

Allele frequency attached by ClinVar (database versions not stated): ESP Exome Variant Server 0.00008; ExAC 0.00004; TOPMed 0.00005.
gnomAD v4.1: 25 of 1,591,868 alleles (0.0016%); highest among the groups gnomAD compares: Admixed American, 0.0072%; no homozygotes.

Submissions (3):

Ambry Genetics
Classification: Uncertain significance for Inborn genetic diseases. Last evaluated: 2025-03-18. Review status: criteria provided, single submitter. Criteria: Ambry Variant Classification Scheme 2023. Collection method: clinical testing. Allele origin: germline.

Labcorp Genetics (formerly Invitae), Labcorp
Classification: Uncertain significance. Last evaluated: 2024-10-22. Review status: criteria provided, single submitter. Criteria: Invitae Variant Classification Sherloc (09022015). Collection method: clinical testing. Allele origin: germline.
Comment: This sequence change replaces valine, which is neutral and non-polar, with isoleucine, which is neutral and non-polar, at codon 565 of the LARS2 protein (p.Val565Ile). This variant is present in population databases (rs368663780, gnomAD 0.01%). This variant has not been reported in the literature in individuals affected with LARS2-related conditions. ClinVar contains an entry for this variant (Variation ID: 2077452). Invitae Evidence Modeling of protein sequence and biophysical properties (such as structural, functional, and spatial information, amino acid conservation, physicochemical variation, residue mobility, and thermodynamic stability) indicates that this missense variant is not expected to disrupt LARS2 protein function with a negative predictive value of 80%. In summary, the available evidence is currently insufficient to determine the role of this variant in disease. Therefore, it has been classified as a Variant of Uncertain Significance.

GeneDx
Classification: Uncertain significance. Last evaluated: 2024-09-13. Review status: criteria provided, single submitter. Criteria: GeneDx Variant Classification Process June 2021. Collection method: clinical testing. Allele origin: germline. Affected: yes.
Comment: Not observed at significant frequency in large population cohorts (gnomAD); In silico analysis indicates that this missense variant does not alter protein structure/function; Has not been previously published as pathogenic or benign to our knowledge

NM_015340.4(LARS2):c.1693G>A (p.Val565Ile)

Genes: LARS2 (leucyl-tRNA synthetase 2, mitochondrial; plus strand), LARS2-AS1 (LARS2 antisense RNA 1; minus strand). Cytogenetic location: 3p21.31.
Variant type: single nucleotide variant.
Coding change: c.1693G>A on transcript NM_015340.4 (MANE Select); coding-DNA position 1693, G replaced by A.
Protein change: p.Val565Ile; replaces valine 565 with isoleucine.
Molecular consequence: missense variant.
Genome position (GRCh38, 1-based): chr3:45,500,512, G>A. VCF-style: chr3-45500512-G-A. GRCh37 (hg19) VCF-style: chr3-45542004-G-A.
Other names: c.1693G>A, p.Val565Ile (NM_001368263.1); c.1693G>A (NM_015340.3); short protein forms V565I.
Identifiers: ClinVar variation 2077452 (VCV002077452.6), dbSNP rs368663780, ClinGen allele CA2349665.